The following is an entry in ClinVar:

ClinVar aggregate classification (germline): Uncertain significance (1 of 4 stars; one submission).

Conditions:
Primary ciliary dyskinesia. Also called: Ciliary dyskinesia. Identifiers: Orphanet 244, MedGen C0008780, MONDO:0016575, HP:0012265.

Allele frequency attached by ClinVar (database versions not stated): gnomAD exomes 0.00001.
gnomAD v4.1: 8 of 1,587,320 alleles (0.0005%); highest among the groups gnomAD compares: Non-Finnish European, 0.00069%; no homozygotes.

Submission:

Labcorp Genetics (formerly Invitae), Labcorp
Classification: Uncertain significance for Primary ciliary dyskinesia. Last evaluated: 2025-10-23. Review status: criteria provided, single submitter. Criteria: Invitae Variant Classification Sherloc (09022015). Collection method: clinical testing. Allele origin: germline.
Comment: This sequence change replaces methionine, which is neutral and non-polar, with valine, which is neutral and non-polar, at codon 647 of the DNAAF2 protein (p.Met647Val). This variant is not present in population databases (gnomAD no frequency). This variant has not been reported in the literature in individuals affected with DNAAF2-related conditions. ClinVar contains an entry for this variant (Variation ID: 940540). Invitae Evidence Modeling of protein sequence and biophysical properties (such as structural, functional, and spatial information, amino acid conservation, physicochemical variation, residue mobility, and thermodynamic stability) indicates that this missense variant is not expected to disrupt DNAAF2 protein function with a negative predictive value of 80%. In summary, the available evidence is currently insufficient to determine the role of this variant in disease. Therefore, it has been classified as a Variant of Uncertain Significance.

NM_018139.3(DNAAF2):c.1939A>G (p.Met647Val)

Gene: DNAAF2 (dynein axonemal assembly factor 2; minus strand). Cytogenetic location: 14q21.3.
Variant type: single nucleotide variant.
Coding change: c.1939A>G on transcript NM_018139.3 (MANE Select); coding-DNA position 1939, A replaced by G.
Protein change: p.Met647Val; replaces methionine 647 with valine.
Molecular consequence: missense variant. On other transcripts: intron variant (2).
Genome position (GRCh38, 1-based): chr14:49,628,080, T>C on the plus strand (A>G on the coding strand, the complement: DNAAF2 is on the minus strand). VCF-style: chr14-49628080-T-C. GRCh37 (hg19) VCF-style: chr14-50094798-T-C.
Other names: c.1864-2032A>G (NM_001083908.2); c.-204-2032A>G (NM_001378453.1); short protein forms M647V.
Identifiers: ClinVar variation 940540 (VCV000940540.8), dbSNP rs1883057031, ClinGen allele CA389624778.
Genomic context (GRCh38, chr14:49,628,080, plus strand): 5'-TAATTTGAATCTTATTATCAGTAACTTGAAGAACTTCAATTAATGGTGGGGTCAAGGACA[T>C]AGACTGTTTGAATGGAGAGCTCAGGACCTCTTCAAGAAACTCATTAACATTTTCTTCATT-3'
Protein context (NP_060609.2, residues 637-657): EVLSSPFKQS[Met647Val]SLTPPLIEVL